The following is an entry in ClinVar:

ClinVar aggregate classification (germline): Likely benign. Review status: criteria provided, multiple submitters, no conflicts (2 of 4 stars). 4 submissions from 4 submitters: Likely benign (3). 1 of the submissions does not count toward it. Last evaluated 2026-03-31.

Conditions:
MSTO1-related disorder. Also called: MSTO1‑Related Disease.

Allele frequency attached by ClinVar (database versions not stated): 1000 Genomes Project 30x 0.00125; gnomAD 0.00076; TOPMed 0.00091; ExAC 0.00092; gnomAD exomes 0.00097; ESP Exome Variant Server 0.00100; 1000 Genomes Project 0.00120.
gnomAD v4.1: 1,532 of 1,614,006 alleles (0.095%); highest among the groups gnomAD compares: Middle Eastern, 0.25%; 3 homozygotes.

Submissions (4):

PreventionGenetics, part of Exact Sciences
Classification: Likely benign for MSTO1-related condition. Last evaluated: 2026-03-31. Review status: criteria provided, single submitter. Criteria: ACMG Guidelines, 2015. Collection method: clinical testing. Allele origin: germline.
Comment: This variant is classified as likely benign based on ACMG/AMP sequence variant interpretation guidelines (Richards et al. 2015 PMID: 25741868, with internal and published modifications).

Labcorp Genetics (formerly Invitae), Labcorp
Classification: Likely benign. Last evaluated: 2026-01-26. Review status: criteria provided, single submitter. Criteria: Invitae Variant Classification Sherloc (09022015). Collection method: clinical testing. Allele origin: germline.

Mayo Clinic Laboratories, Mayo Clinic
Classification: Likely benign. Last evaluated: 2025-12-16. Review status: criteria provided, single submitter. Criteria: ACMG Guidelines, 2015. Collection method: clinical testing. Allele origin: germline. Observed: 6 variant alleles.
Comment: BS1, BP4

Genetic Services Laboratory, University of Chicago
Classification: Likely benign. Last evaluated: 2022-06-27. Review status: no assertion criteria provided. Collection method: clinical testing. Allele origin: germline. Affected: no. Not counted in ClinVar's aggregate classification.

NM_018116.4(MSTO1):c.862G>A (p.Val288Met)

Gene: MSTO1 (misato mitochondrial distribution and morphology regulator 1; plus strand). Cytogenetic location: 1q22.
Variant type: single nucleotide variant.
Coding change: c.862G>A on transcript NM_018116.4 (MANE Select); coding-DNA position 862, G replaced by A.
Protein change: p.Val288Met; replaces valine 288 with methionine.
Molecular consequence: missense variant. On other transcripts: non-coding transcript variant (6).
Genome position (GRCh38, 1-based): chr1:155,612,466, G>A. VCF-style: chr1-155612466-G-A. GRCh37 (hg19) VCF-style: chr1-155582257-G-A.
Other names: p.Val288Met; c.862G>A, p.Val288Met (NM_001256532.1, NM_001256533.1, NM_001350772.1 and 3 more transcripts); c.697G>A, p.Val233Met (NM_001350776.1); c.331G>A, p.Val111Met (NM_001350777.1, NM_001350778.1, NM_001350779.1); c.328G>A, p.Val110Met (NM_001350780.1, NM_001350781.1, NM_001350782.1 and 3 more transcripts); c.319G>A, p.Val107Met (NM_001350784.1, NM_001350785.1, NM_001350787.1 and 1 more transcripts); c.862G>A (NM_018116.3); short protein forms V107M, V110M, V288M, V111M, V233M.
Identifiers: ClinVar variation 2048375 (VCV002048375.8), dbSNP rs137896859, ClinGen allele CA1148048.